The following is an entry in ClinVar:

NM_002234.4(KCNA5):c.241C>T (p.Leu81=)

Gene: KCNA5 (potassium voltage-gated channel subfamily A member 5; plus strand). Cytogenetic location: 12p13.32.
Variant type: single nucleotide variant.
Coding change: c.241C>T on transcript NM_002234.4 (MANE Select); coding-DNA position 241, C replaced by T.
Protein change: p.Leu81=; no amino-acid change (leucine 81 retained).
Molecular consequence: synonymous variant.
Genome position (GRCh38, 1-based): chr12:5,044,388, C>T. VCF-style: chr12-5044388-C-T. GRCh37 (hg19) VCF-style: chr12-5153554-C-T.
Identifiers: ClinVar variation 3723887 (VCV003723887.2).
Genomic context (GRCh38, chr12:5,044,388, plus strand): 5'-GACTCGGGAGTGCGGCCCTTGCCTCCGCTGCCGGACCCGGGAGTGCGGCCCTTGCCTCCG[C>T]TGCCAGAGGAGCTGCCACGGCCTCGACGGCCGCCTCCCGAGGACGAGGAGGAAGAAGGCG-3'
Protein context (NP_002225.2, residues 71-91): PDPGVRPLPP[Leu81=]PEELPRPRRP

ClinVar aggregate classification (germline): Uncertain significance (1 of 4 stars; one submission).

Conditions:
Atrial fibrillation, familial, 7 (ATFB7). Identifiers: MedGen C2677106, MONDO:0012828, OMIM 612240.

Submission:

Labcorp Genetics (formerly Invitae), Labcorp
Classification: Uncertain significance for Atrial fibrillation, familial, 7. Last evaluated: 2024-10-27. Review status: criteria provided, single submitter. Criteria: Invitae Variant Classification Sherloc (09022015). Collection method: clinical testing. Allele origin: germline.
Comment: This sequence change affects codon 81 of the KCNA5 mRNA. It is a 'silent' change, meaning that it does not change the encoded amino acid sequence of the KCNA5 protein. This variant is not present in population databases (gnomAD no frequency). This variant has not been reported in the literature in individuals affected with KCNA5-related conditions. In summary, the available evidence is currently insufficient to determine the role of this variant in disease. Therefore, it has been classified as a Variant of Uncertain Significance.